The following is an entry in ClinVar:

NM_001203.3(BMPR1B):c.150C>T (p.Asp50=)

Gene: BMPR1B (bone morphogenetic protein receptor type 1B; plus strand). Cytogenetic location: 4q22.3.
Variant type: single nucleotide variant.
Coding change: c.150C>T on transcript NM_001203.3 (MANE Select); coding-DNA position 150, C replaced by T.
Protein change: p.Asp50=; no amino-acid change (aspartic acid 50 retained).
Molecular consequence: synonymous variant.
Genome position (GRCh38, 1-based): chr4:95,114,726, C>T. VCF-style: chr4-95114726-C-T. GRCh37 (hg19) VCF-style: chr4-96035877-C-T.
Other names: c.150C>T, p.Asp50= (NM_001256792.2, NM_001256794.1); c.240C>T, p.Asp80= (NM_001256793.2).
Identifiers: ClinVar variation 350114 (VCV000350114.13), dbSNP rs147320212, ClinGen allele CA3014898.

ClinVar aggregate classification (germline): Likely benign. Review status: criteria provided, multiple submitters, no conflicts (2 of 4 stars). 2 submissions from 2 submitters: Likely benign (2). Last evaluated 2025-07-22.

Conditions:
Brachydactyly. Also called: Brachydactyly syndrome; Brachydactyly (disease). Identifiers: MedGen C0221357, MONDO:0021004, HP:0001156.
Acromesomelic dysplasia 3 (AMD3). Also called: CHONDRODYSPLASIA, ACROMESOMELIC, WITH OR WITHOUT GENITAL ANOMALIES; Acromesomelic dysplasia, Demirhan type. Identifiers: MedGen C4225404, MONDO:0012274, OMIM 609441.
Type A2 brachydactyly (BDA2). Also called: BRACHYMESOPHALANGY II; MOHR-WRIEDT TYPE BRACHYDACTYLY; Brachymesophalangy type 2. Identifiers: Orphanet 93396, MedGen C1832702, MONDO:0007216, OMIM 112600, HP:0009372.

Allele frequency attached by ClinVar (database versions not stated): ExAC 0.00004; gnomAD exomes 0.00006 and 0.00012; TOPMed 0.00007; gnomAD 0.00008 and 0.00009; ESP Exome Variant Server 0.00015.
gnomAD v4.1: 183 of 1,612,854 alleles (0.011%); highest among the groups gnomAD compares: Non-Finnish European, 0.014%; no homozygotes.

Submissions (2):

Labcorp Genetics (formerly Invitae), Labcorp
Classification: Likely benign for Type A2 brachydactyly; Acromesomelic dysplasia 3. Last evaluated: 2025-07-22. Review status: criteria provided, single submitter. Criteria: Invitae Variant Classification Sherloc (09022015). Collection method: clinical testing. Allele origin: germline.

Illumina Laboratory Services, Illumina
Classification: Likely benign for Brachydactyly. Last evaluated: 2018-01-12. Review status: criteria provided, single submitter. Criteria: ICSL Variant Classification Criteria 13 December 2019. Collection method: clinical testing. Allele origin: germline.
Comment: This variant was observed in the ICSL laboratory as part of a predisposition screen in an ostensibly healthy population. It had not been previously curated by ICSL or reported in the Human Gene Mutation Database (HGMD: prior to June 1st, 2018), and was therefore a candidate for classification through an automated scoring system. Utilizing variant allele frequency, disease prevalence and penetrance estimates, and inheritance mode, an automated score was calculated to assess if this variant is too frequent to cause the disease. Based on the score and internal cut-off values, a variant classified as likely benign is not then subjected to further curation. The score for this variant resulted in a classification of likely benign for this disease.